The following is an entry in ClinVar:

NM_000245.4(MET):c.2870_2881del (p.Lys957_Gln960del)

Gene: MET (MET proto-oncogene, receptor tyrosine kinase; plus strand). Cytogenetic location: 7q31.2.
Variant type: Deletion.
Coding change: c.2870_2881del on transcript NM_000245.4 (MANE Select); coding-DNA positions 2870 to 2881, 12 bases deleted (AGAGAAAGCAAA).
Protein change: p.Lys957_Gln960del.
Molecular consequence: inframe deletion. On other transcripts: inframe indel (1).
Genome position (GRCh38, 1-based): chr7:116,771,637-116,771,648, AGAGAAAGCAAA deleted; deleting any 12 consecutive bases within chr7:116,771,634-116,771,648 gives the same sequence; the c. name uses the placement nearest the transcript's 3' end. VCF-style (leftmost placement, unchanged base first): chr7-116771633-AAAAAGAGAAAGC-A. GRCh37 (hg19) VCF-style: chr7-116411687-AAAAAGAGAAAGC-A.
Other names: c.2924_2935del, p.Lys975_Gln978del (NM_001127500.3); c.1580_1591del, p.Lys527_Gln530del (NM_001324402.2); c.2924_2935del12 (NM_001127500.1).
Identifiers: ClinVar variation 4647654 (VCV004647654.1).
Genomic context (GRCh38, chr7:116,771,633, plus strand): 5'-GCTGGTGTTGTCTCAATATCAACAGCACTGTTATTACTACTTGGGTTTTTCCTGTGGCTG[AAAAAGAGAAAGC>A]AAATTAAAGGTGCATTTTTGTTACTGTTCATTTTTAGAAGTTACCTTAAGAACACAGTCA-3'

ClinVar aggregate classification (germline): Uncertain significance (1 of 4 stars; one submission).

Conditions:
Hereditary cancer-predisposing syndrome. Also called: Neoplastic Syndromes, Hereditary; Tumor predisposition; Hereditary Cancer Syndrome; Hereditary neoplastic syndrome. Identifiers: Orphanet 140162, MedGen C0027672, MeSH D009386, MONDO:0015356.

Submission:

Ambry Genetics
Classification: Uncertain significance for Hereditary cancer-predisposing syndrome. Last evaluated: 2025-10-10. Review status: criteria provided, single submitter. Criteria: Ambry Variant Classification Scheme 2023. Collection method: clinical testing. Allele origin: germline.
Comment: The c.2924_2935del12 variant (also known as p.K975_Q978del) is located in coding exon 12 of the MET gene. This variant results from an in-frame AGAGAAAGCAAA deletion at nucleotide positions 2924 to 2935. This results in the in-frame deletion of 4 residues at codons 975 through 978. This amino acid region is well conserved in available vertebrate species. In addition, this variant is predicted to be deleterious by in silico analysis (Choi Y et al. PLoS ONE. 2012; 7(10):e46688). Based on the available evidence, the clinical significance of this variant remains unclear.